The following is an entry in ClinVar:

ClinVar aggregate classification (germline): Uncertain significance (1 of 4 stars; one submission).

Submission:

Labcorp Genetics (formerly Invitae), Labcorp
Classification: Uncertain significance. Last evaluated: 2025-10-02. Review status: criteria provided, single submitter. Criteria: Invitae Variant Classification Sherloc (09022015). Collection method: clinical testing. Allele origin: germline.
Comment: This variant, c.6990_6995del, results in the deletion of 2 amino acid(s) of the DNAH9 protein (p.Thr2331_Arg2332del), but otherwise preserves the integrity of the reading frame. This variant is present in population databases (rs762624438, gnomAD 0.007%). This variant has not been reported in the literature in individuals affected with DNAH9-related conditions. ClinVar contains an entry for this variant (Variation ID: 1935611). In summary, the available evidence is currently insufficient to determine the role of this variant in disease. Therefore, it has been classified as a Variant of Uncertain Significance.

NM_001372.4(DNAH9):c.6990_6995del (p.Thr2331_Arg2332del)

Gene: DNAH9 (dynein axonemal heavy chain 9; plus strand). Cytogenetic location: 17p12.
Variant type: Deletion.
Coding change: c.6990_6995del on transcript NM_001372.4 (MANE Select); coding-DNA positions 6990 to 6995, 6 bases deleted (AACCAG; older notation c.6990_6995delAACCAG).
Protein change: p.Thr2331_Arg2332del.
Molecular consequence: inframe deletion.
Genome position (GRCh38, 1-based): chr17:11,757,687-11,757,692, AACCAG deleted; deleting any 6 consecutive bases within chr17:11,757,684-11,757,692 gives the same sequence; the c. name uses the placement nearest the transcript's 3' end. VCF-style (leftmost placement, unchanged base first): chr17-11757683-TCAGAAC-T. GRCh37 (hg19) VCF-style: chr17-11661000-TCAGAAC-T.
Identifiers: ClinVar variation 1935611 (VCV001935611.5), dbSNP rs762624438, ClinGen allele CA8396478.
Genomic context (GRCh38, chr17:11,757,683, plus strand): 5'-CAGAGAGAGCCAACTTAACCATTTTGTTCGACAAGTATCTTCCAACCTGCCTAGACACAC[TCAGAAC>T]CAGGTAGGCCAAGAAACAAGGAAGATAGAGAGTTAAAGCAGCAATAAAAAGCCCATGGGT-3'